The following is an entry in ClinVar:

ClinVar aggregate classification (germline): Uncertain significance. Review status: criteria provided, multiple submitters, no conflicts (2 of 4 stars). 4 submissions from 4 submitters: Uncertain significance (4). Last evaluated 2025-06-02.

Conditions:
Familial adenomatous polyposis 1 (FAP1). Also called: POLYPOSIS, ADENOMATOUS INTESTINAL; FAMILIAL ADENOMATOUS POLYPOSIS 1, ATTENUATED. Identifiers: MedGen C2713442, MONDO:0021056, OMIM 175100. Disease mechanism: loss of function.
Hereditary cancer-predisposing syndrome. Also called: Hereditary neoplastic syndrome; Neoplastic Syndromes, Hereditary; Tumor predisposition; Hereditary Cancer Syndrome. Identifiers: Orphanet 140162, MedGen C0027672, MeSH D009386, MONDO:0015356.
Classic or attenuated familial adenomatous polyposis. Identifiers: MedGen CN372698, MONDO:0021057.

Allele frequency attached by ClinVar (database versions not stated): gnomAD exomes below 0.00001.
gnomAD v4.1: 2 of 1,614,038 alleles (0.00012%); highest among the groups gnomAD compares: Non-Finnish European, 0.00017%; no homozygotes.

Submissions (4):

Color Diagnostics, LLC DBA Color Health
Classification: Uncertain significance for Hereditary cancer-predisposing syndrome. Last evaluated: 2025-06-02. Review status: criteria provided, single submitter. Criteria: ACMG Guidelines, 2015. Collection method: clinical testing. Allele origin: germline.
Comment: This missense variant replaces glycine with aspartic acid at codon 1365 of the APC protein. Computational prediction suggests that this variant may not impact protein structure and function. To our knowledge, functional studies have not been reported for this variant. This variant has not been reported in individuals affected with APC-related disorders in the literature. This variant has not been identified in the general population by the Genome Aggregation Database (gnomAD). The available evidence is insufficient to determine the role of this variant in disease conclusively. Therefore, this variant is classified as a Variant of Uncertain Significance.

Labcorp Genetics (formerly Invitae), Labcorp
Classification: Uncertain significance for Familial adenomatous polyposis 1. Last evaluated: 2024-10-24. Review status: criteria provided, single submitter. Criteria: Invitae Variant Classification Sherloc (09022015). Collection method: clinical testing. Allele origin: germline.
Comment: This sequence change replaces glycine, which is neutral and non-polar, with aspartic acid, which is acidic and polar, at codon 1365 of the APC protein (p.Gly1365Asp). This variant is not present in population databases (gnomAD no frequency). This variant has not been reported in the literature in individuals affected with APC-related conditions. ClinVar contains an entry for this variant (Variation ID: 469950). Invitae Evidence Modeling of protein sequence and biophysical properties (such as structural, functional, and spatial information, amino acid conservation, physicochemical variation, residue mobility, and thermodynamic stability) indicates that this missense variant is not expected to disrupt APC protein function with a negative predictive value of 95%. In summary, the available evidence is currently insufficient to determine the role of this variant in disease. Therefore, it has been classified as a Variant of Uncertain Significance.

All of Us Research Program, National Institutes of Health
Classification: Uncertain significance for Classic or attenuated familial adenomatous polyposis. Last evaluated: 2023-05-16. Review status: criteria provided, single submitter. Criteria: ACMG Guidelines, 2015. Collection method: clinical testing. Allele origin: germline. Inheritance: Autosomal dominant inheritance. Observed: 1 variant allele, 1 heterozygote.
Comment: This missense variant replaces glycine with aspartic acid at codon 1365 of the APC protein. Computational prediction suggests that this variant may not impact protein structure and function (internally defined REVEL score threshold <= 0.5, PMID: 27666373). To our knowledge, functional studies have not been reported for this variant. This variant has not been reported in individuals affected with APC-related disorders in the literature. This variant has not been identified in the general population by the Genome Aggregation Database (gnomAD). The available evidence is insufficient to determine the role of this variant in disease conclusively. Therefore, this variant is classified as a Variant of Uncertain Significance.

This study involves interpretation of variants in research participants for the purpose of population health screening. Participant phenotype was not available at the time of variant classification. Additional details can be found in publication PMID: 35346344, PMCID: PMC8962531

Ambry Genetics
Classification: Uncertain significance for Hereditary cancer-predisposing syndrome. Last evaluated: 2023-01-17. Review status: criteria provided, single submitter. Criteria: Ambry Variant Classification Scheme 2023. Collection method: clinical testing. Allele origin: germline.
Comment: The p.G1365D variant (also known as c.4094G>A), located in coding exon 15 of the APC gene, results from a G to A substitution at nucleotide position 4094. The glycine at codon 1365 is replaced by aspartic acid, an amino acid with similar properties. This amino acid position is highly conserved in available vertebrate species. In addition, in silico predictors for this gene do not accurately predict pathogenicity. Since supporting evidence is limited at this time, the clinical significance of this alteration remains unclear.

NM_000038.6(APC):c.4094G>A (p.Gly1365Asp)

Gene: APC (APC regulator of Wnt signaling pathway; plus strand). Cytogenetic location: 5q22.2.
Variant type: single nucleotide variant.
Coding change: c.4094G>A on transcript NM_000038.6 (MANE Select); coding-DNA position 4094, G replaced by A.
Protein change: p.Gly1365Asp; replaces glycine 1365 with aspartic acid.
Molecular consequence: missense variant.
Genome position (GRCh38, 1-based): chr5:112,839,688, G>A. VCF-style: chr5-112839688-G-A. GRCh37 (hg19) VCF-style: chr5-112175385-G-A.
Other names: c.4094G>A, p.Gly1365Asp (NM_001127510.3, NM_001354895.2); c.4040G>A, p.Gly1347Asp (NM_001127511.3); c.4148G>A, p.Gly1383Asp (NM_001354896.2); c.4124G>A, p.Gly1375Asp (NM_001354897.2); c.4019G>A, p.Gly1340Asp (NM_001354898.2); c.4010G>A, p.Gly1337Asp (NM_001354899.2); c.3971G>A, p.Gly1324Asp (NM_001354900.2); c.3917G>A, p.Gly1306Asp (NM_001354901.2); and 5 more; short protein forms G1347D, G1365D, G1205D, G1337D, G1082D, G1274D, G1324D, G1264D.
Identifiers: ClinVar variation 469950 (VCV000469950.17), dbSNP rs1554085511, ClinGen allele CA16030298.